The following is an entry in ClinVar:

NM_001458.5(FLNC):c.2193G>C (p.Val731=)

Gene: FLNC (filamin C; plus strand). Cytogenetic location: 7q32.1.
Variant type: single nucleotide variant.
Coding change: c.2193G>C on transcript NM_001458.5 (MANE Select); coding-DNA position 2193, G replaced by C.
Protein change: p.Val731=; no amino-acid change (valine 731 retained).
Molecular consequence: synonymous variant.
Genome position (GRCh38, 1-based): chr7:128,842,302, G>C. VCF-style: chr7-128842302-G-C. GRCh37 (hg19) VCF-style: chr7-128482356-G-C.
Other names: c.2193G>C, p.Val731= (NM_001127487.2).
Identifiers: ClinVar variation 3515975 (VCV003515975.2).
Genomic context (GRCh38, chr7:128,842,302, plus strand): 5'-CTGTCCCATCGACATCAAGGTGATCCCCAACGGCGACGGCACCTTCCGCTGCTCCTACGT[G>C]CCCACCAAGCCCATTAAGCACACCATCATCATCTCCTGGGGAGGCGTAAACGTGCCCAAG-3'
Protein context (NP_001449.3, residues 721-741): NGDGTFRCSY[Val731=]PTKPIKHTII

ClinVar aggregate classification (germline): Likely benign. Review status: criteria provided, multiple submitters, no conflicts (2 of 4 stars). 2 submissions from 2 submitters: Likely benign (2). Last evaluated 2025-04-09.

Conditions:
Cardiovascular phenotype. Identifiers: MedGen CN230736.

Submissions (2):

Molecular Diagnostic Laboratory for Inherited Cardiovascular Disease, Montreal Heart Institute
Classification: Likely benign. Last evaluated: 2025-04-09. Review status: criteria provided, single submitter. Criteria: ACMG Guidelines, 2015. Collection method: clinical testing. Allele origin: germline. Affected: no.
Comment: BP7

Ambry Genetics
Classification: Likely benign for Cardiovascular phenotype. Last evaluated: 2024-10-22. Review status: criteria provided, single submitter. Criteria: Ambry Variant Classification Scheme 2023. Collection method: clinical testing. Allele origin: germline.